The following is an entry in ClinVar:

NM_030665.4(RAI1):c.2418G>T (p.Leu806Phe)

Gene: RAI1 (retinoic acid induced 1; plus strand). Cytogenetic location: 17p11.2.
Variant type: single nucleotide variant.
Coding change: c.2418G>T on transcript NM_030665.4 (MANE Select); coding-DNA position 2418, G replaced by T.
Protein change: p.Leu806Phe; replaces leucine 806 with phenylalanine.
Molecular consequence: missense variant.
Genome position (GRCh38, 1-based): chr17:17,795,366, G>T. VCF-style: chr17-17795366-G-T. GRCh37 (hg19) VCF-style: chr17-17698680-G-T.
Other names: short protein forms L806F.
Identifiers: ClinVar variation 3659269 (VCV003659269.2).

ClinVar aggregate classification (germline): Uncertain significance (1 of 4 stars; one submission).

Submission:

Labcorp Genetics (formerly Invitae), Labcorp
Classification: Uncertain significance. Last evaluated: 2024-08-05. Review status: criteria provided, single submitter. Criteria: Invitae Variant Classification Sherloc (09022015). Collection method: clinical testing. Allele origin: germline.
Comment: This sequence change replaces leucine, which is neutral and non-polar, with phenylalanine, which is neutral and non-polar, at codon 806 of the RAI1 protein (p.Leu806Phe). This variant is not present in population databases (gnomAD no frequency). This variant has not been reported in the literature in individuals affected with RAI1-related conditions. Advanced modeling of protein sequence and biophysical properties (such as structural, functional, and spatial information, amino acid conservation, physicochemical variation, residue mobility, and thermodynamic stability) performed at Invitae indicates that this missense variant is not expected to disrupt RAI1 protein function with a negative predictive value of 80%. In summary, the available evidence is currently insufficient to determine the role of this variant in disease. Therefore, it has been classified as a Variant of Uncertain Significance.